The following is an entry in ClinVar:

NM_174916.3(UBR1):c.2721C>T (p.Thr907=)

Gene: UBR1 (ubiquitin protein ligase E3 component n-recognin 1; minus strand). Cytogenetic location: 15q15.2.
Variant type: single nucleotide variant.
Coding change: c.2721C>T on transcript NM_174916.3 (MANE Select); coding-DNA position 2721, C replaced by T.
Protein change: p.Thr907=; no amino-acid change (threonine 907 retained).
Molecular consequence: synonymous variant.
Genome position (GRCh38, 1-based): chr15:43,024,847, G>A on the plus strand (C>T on the coding strand, the complement: UBR1 is on the minus strand). VCF-style: chr15-43024847-G-A. GRCh37 (hg19) VCF-style: chr15-43317045-G-A.
Identifiers: ClinVar variation 3021849 (VCV003021849.5), dbSNP rs372822369, ClinGen allele CA7518380.
Genomic context (GRCh38, chr15:43,024,847, plus strand): 5'-CTCTAGGACTTGATGTAGAGAAAATATTTCAGGTAAACAAACCATTTGGAGCATCCCTTC[G>A]GTCCACAAGTTAGAATCTGTGTCTATTGCCCGCTCAAATACGGTCCTGAGAATGTACATC-3'
Protein context (NP_777576.1, residues 897-917): RAIDTDSNLW[Thr907=]EGMLQMAFHI

ClinVar aggregate classification (germline): Likely benign. Review status: criteria provided, multiple submitters, no conflicts (2 of 4 stars). 3 submissions from 3 submitters: Likely benign (3). Last evaluated 2026-08-01.

Allele frequency attached by ClinVar (database versions not stated): gnomAD 0.00005; ExAC 0.00006; TOPMed 0.00007; ESP Exome Variant Server 0.00008; gnomAD exomes 0.00015.
gnomAD v4.1: 225 of 1,614,090 alleles (0.014%); highest among the groups gnomAD compares: Non-Finnish European, 0.017%; no homozygotes.

Submissions (3):

CeGaT Center for Human Genetics Tuebingen
Classification: Likely benign. Last evaluated: 2026-08-01. Review status: criteria provided, single submitter. Criteria: CeGaT Center For Human Genetics Tuebingen Variant Classification Criteria Version 2. Collection method: clinical testing. Allele origin: germline. Affected: yes. Observed: 1 variant allele.
Comment: UBR1: BP4, BP7

Labcorp Genetics (formerly Invitae), Labcorp
Classification: Likely benign. Last evaluated: 2024-09-22. Review status: criteria provided, single submitter. Criteria: Invitae Variant Classification Sherloc (09022015). Collection method: clinical testing. Allele origin: germline.

Blueprint Genetics
Classification: Likely benign. Last evaluated: 2023-07-27. Review status: criteria provided, single submitter. Criteria: ACMG Guidelines, 2015. Collection method: clinical testing. Allele origin: germline.